The following is an entry in ClinVar:

NM_001927.4(DES):c.817G>T (p.Ala273Ser)

Gene: DES (desmin; plus strand). Cytogenetic location: 2q35.
Variant type: single nucleotide variant.
Coding change: c.817G>T on transcript NM_001927.4 (MANE Select); coding-DNA position 817, G replaced by T.
Protein change: p.Ala273Ser; replaces alanine 273 with serine.
Molecular consequence: missense variant.
Genome position (GRCh38, 1-based): chr2:219,420,576, G>T. VCF-style: chr2-219420576-G-T. GRCh37 (hg19) VCF-style: chr2-220285298-G-T.
Other names: short protein forms A273S.
Identifiers: ClinVar variation 285184 (VCV000285184.13), dbSNP rs770258461, ClinGen allele CA10605026.

ClinVar aggregate classification (germline): Uncertain significance. Review status: criteria provided, multiple submitters, no conflicts (2 of 4 stars). 2 submissions from 2 submitters: Uncertain significance (2). Last evaluated 2024-10-29.

Conditions:
Desmin-related myofibrillar myopathy (MFM1). Also called: Desmin related myopathy (former name); Desmin storage myopathy (former name); Desminopathy; MYOFIBRILLAR MYOPATHY WITH ARRHYTHMOGENIC RIGHT VENTRICULAR CARDIOMYOPATHY; DESMIN-RELATED MYOPATHY WITH ARRHYTHMOGENIC RIGHT VENTRICULAR CARDIOMYOPATHY; Myofibrillar myopathy 1. Identifiers: Orphanet 363543, Orphanet 98909, MedGen C1832370, MONDO:0011076, OMIM 601419.

gnomAD v4.1: 1 of 1,613,962 alleles (0.000062%); highest among the groups gnomAD compares: South Asian, 0.0011%; no homozygotes.

Submissions (2):

Labcorp Genetics (formerly Invitae), Labcorp
Classification: Uncertain significance for Desmin-related myofibrillar myopathy. Last evaluated: 2024-10-29. Review status: criteria provided, single submitter. Criteria: Invitae Variant Classification Sherloc (09022015). Collection method: clinical testing. Allele origin: germline.
Comment: This sequence change replaces alanine, which is neutral and non-polar, with serine, which is neutral and polar, at codon 273 of the DES protein (p.Ala273Ser). This variant is not present in population databases (gnomAD no frequency). This variant has not been reported in the literature in individuals affected with DES-related conditions. ClinVar contains an entry for this variant (Variation ID: 285184). Invitae Evidence Modeling of protein sequence and biophysical properties (such as structural, functional, and spatial information, amino acid conservation, physicochemical variation, residue mobility, and thermodynamic stability) has been performed for this missense variant. However, the output from this modeling did not meet the statistical confidence thresholds required to predict the impact of this variant on DES protein function. In summary, the available evidence is currently insufficient to determine the role of this variant in disease. Therefore, it has been classified as a Variant of Uncertain Significance.

Eurofins Ntd Llc (ga)
Classification: Uncertain significance. Last evaluated: 2016-01-18. Review status: criteria provided, single submitter. Criteria: EGL Classification Definitions 2015. Collection method: clinical testing. Allele origin: germline. Observed: 1 variant allele, 1 heterozygote.